The following is an entry in ClinVar:

ClinVar aggregate classification (germline): Benign/Likely benign. Review status: criteria provided, multiple submitters, no conflicts (2 of 4 stars). 2 submissions from 2 submitters: Benign (1); Likely benign (1). Last evaluated 2024-10-30.

Conditions:
White sponge nevus 2 (WSN2). Identifiers: MedGen C4014321, MONDO:0014346, OMIM 615785.

Allele frequency attached by ClinVar (database versions not stated): gnomAD 0.00001 and 0.00034; gnomAD exomes 0.00044 and 0.00093; ExAC 0.00119; 1000 Genomes Project 30x 0.00265; 1000 Genomes Project 0.00280.
gnomAD v4.1: 690 of 1,614,192 alleles (0.043%); highest among the groups gnomAD compares: South Asian, 0.71%; 5 homozygotes.

Submissions (2):

Blueprint Genetics
Classification: Likely benign. Last evaluated: 2024-10-30. Review status: criteria provided, single submitter. Criteria: ACMG Guidelines, 2015. Collection method: clinical testing. Allele origin: germline.

Illumina Laboratory Services, Illumina
Classification: Benign for White sponge nevus 2. Last evaluated: 2018-01-13. Review status: criteria provided, single submitter. Criteria: ICSL Variant Classification Criteria 13 December 2019. Collection method: clinical testing. Allele origin: germline.
Comment: This variant was observed in the ICSL laboratory as part of a predisposition screen in an ostensibly healthy population. It had not been previously curated by ICSL or reported in the Human Gene Mutation Database (HGMD: prior to June 1st, 2018), and was therefore a candidate for classification through an automated scoring system. Utilizing variant allele frequency, disease prevalence and penetrance estimates, and inheritance mode, an automated score was calculated to assess if this variant is too frequent to cause the disease. Based on the score and internal cut-off values, a variant classified as benign is not then subjected to further curation. The score for this variant resulted in a classification of benign for this disease.

NM_153490.3(KRT13):c.420C>T (p.His140=)

Gene: KRT13 (keratin 13; minus strand). Cytogenetic location: 17q21.2.
Variant type: single nucleotide variant.
Coding change: c.420C>T on transcript NM_153490.3 (MANE Select); coding-DNA position 420, C replaced by T.
Protein change: p.His140=; no amino-acid change (histidine 140 retained).
Molecular consequence: synonymous variant.
Genome position (GRCh38, 1-based): chr17:41,505,131, G>A on the plus strand (C>T on the coding strand, the complement: KRT13 is on the minus strand). VCF-style: chr17-41505131-G-A. GRCh37 (hg19) VCF-style: chr17-39661383-G-A.
Other names: c.420C>T, p.His140= (NM_002274.4).
Identifiers: ClinVar variation 323102 (VCV000323102.6), dbSNP rs530596803, ClinGen allele CA8560797.